The following is an entry in ClinVar:

ClinVar aggregate classification (germline): Uncertain significance (1 of 4 stars; one submission).

Allele frequency attached by ClinVar (database versions not stated): gnomAD 0.00001; gnomAD exomes 0.00001 and 0.00004; TOPMed 0.00001; ExAC 0.00002.
gnomAD v4.1: 61 of 1,612,334 alleles (0.0038%); highest among the groups gnomAD compares: Non-Finnish European, 0.005%; no homozygotes.

Submission:

Labcorp Genetics (formerly Invitae), Labcorp
Classification: Uncertain significance. Last evaluated: 2023-07-14. Review status: criteria provided, single submitter. Criteria: Invitae Variant Classification Sherloc (09022015). Collection method: clinical testing. Allele origin: germline.
Comment: This variant is present in population databases (rs762410770, gnomAD 0.003%). This sequence change replaces lysine, which is basic and polar, with isoleucine, which is neutral and non-polar, at codon 1184 of the ATP8A2 protein (p.Lys1184Ile). This variant has not been reported in the literature in individuals affected with ATP8A2-related conditions. In summary, the available evidence is currently insufficient to determine the role of this variant in disease. Therefore, it has been classified as a Variant of Uncertain Significance. An algorithm developed to predict the effect of missense changes on protein structure and function (PolyPhen-2) suggests that this variant is likely to be disruptive. ClinVar contains an entry for this variant (Variation ID: 1497980).

NM_016529.6(ATP8A2):c.3551A>T (p.Lys1184Ile)

Gene: ATP8A2 (ATPase phospholipid transporting 8A2). Cytogenetic location: 13q12.13.
Variant type: single nucleotide variant.
Coding change: c.3551A>T on transcript NM_016529.6 (MANE Select); coding-DNA position 3551, A replaced by T.
Protein change: p.Lys1184Ile; replaces lysine 1184 with isoleucine.
Molecular consequence: missense variant.
Genome position (GRCh38, 1-based): chr13:26,019,969, A>T. VCF-style: chr13-26019969-A-T. GRCh37 (hg19) VCF-style: chr13-26594107-A-T.
Other names: c.3356A>T, p.Lys1119Ile (NM_001313741.1); short protein forms K1119I, K1184I.
Identifiers: ClinVar variation 1497980 (VCV001497980.6), dbSNP rs762410770, ClinGen allele CA6923763.
Genomic context (GRCh38, chr13:26,019,969, plus strand): 5'-AAGAACACGGAGCTGTTAGTCAGGAAGAAGTCATCCGTGCTTATGACACCACCAAAAAGA[A>T]ATCCAGGAAGAAATAAGACATGAATTTTCCTGACTGATCTTAGGAAAGAGATTCAGTTTG-3'
Protein context (NP_057613.4, residues 1174-1188): VIRAYDTTKK[Lys1184Ile]SRKK